The following is an entry in ClinVar:

NM_004385.5(VCAN):c.6622_6623delinsTT (p.Ala2208Phe)

Genes: VCAN (versican; plus strand), VCAN-AS1 (VCAN antisense RNA 1; minus strand). Cytogenetic location: 5q14.3.
Variant type: Indel.
Coding change: c.6622_6623delinsTT on transcript NM_004385.5 (MANE Select); coding-DNA positions 6622 to 6623, GC replaced by TT.
Protein change: p.Ala2208Phe; replaces alanine 2208 with phenylalanine.
Molecular consequence: missense variant. On other transcripts: intron variant (2).
Genome position (GRCh38, 1-based): chr5:83,539,625-83,539,626, GC replaced by TT. VCF-style: chr5-83539625-GC-TT. GRCh37 (hg19) VCF-style: chr5-82835444-GC-TT.
Other names: c.3661_3662delinsTT, p.Ala1221Phe (NM_001164097.2); c.4004-5912_4004-5911delinsTT (NM_001164098.2); c.1043-5912_1043-5911delinsTT (NM_001126336.3); short protein forms A1221F, A2208F.
Identifiers: ClinVar variation 4692957 (VCV004692957.1).

ClinVar aggregate classification (germline): Uncertain significance (1 of 4 stars; one submission).

Submission:

Labcorp Genetics (formerly Invitae), Labcorp
Classification: Uncertain significance. Last evaluated: 2025-06-15. Review status: criteria provided, single submitter. Criteria: Invitae Variant Classification Sherloc (09022015). Collection method: clinical testing. Allele origin: germline.
Comment: This sequence change replaces alanine, which is neutral and non-polar, with phenylalanine, which is neutral and non-polar, at codon 2208 of the VCAN protein (p.Ala2208Phe). This variant is present in population databases (no rsID available, gnomAD 0.0004%). This variant has not been reported in the literature in individuals affected with VCAN-related conditions. An algorithm developed to predict the effect of missense changes on protein structure and function (PolyPhen-2) suggests that this variant is likely to be disruptive. In summary, the available evidence is currently insufficient to determine the role of this variant in disease. Therefore, it has been classified as a Variant of Uncertain Significance.